The following is an entry in ClinVar:

ClinVar aggregate classification (germline): Uncertain significance (1 of 4 stars; one submission).

Conditions:
Marfan syndrome (MFS). Also called: MARFAN SYNDROME, TYPE I; Marfan syndrome type 1; Marfan's syndrome; Marfan syndrome, classic; FBN1-Related Marfan Syndrome. Identifiers: Orphanet 284963, Orphanet 558, MedGen C0024796, MONDO:0007947, OMIM 154700.

Allele frequency attached by ClinVar (database versions not stated): TOPMed 0.00006.
gnomAD v4.1: 19 of 1,613,834 alleles (0.0012%); highest among the groups gnomAD compares: Admixed American, 0.03%; no homozygotes.

Submission:

All of Us Research Program, National Institutes of Health
Classification: Uncertain significance for Marfan syndrome. Last evaluated: 2024-02-05. Review status: criteria provided, single submitter. Criteria: ACMG Guidelines, 2015. Collection method: clinical testing. Allele origin: germline. Inheritance: Autosomal dominant inheritance. Observed: 1 variant allele, 1 heterozygote.
Comment: This missense variant replaces glycine with arginine at codon 502 of the FBN1 protein. Computational prediction suggests that this variant may have deleterious impact on protein structure and function (internally defined REVEL score threshold >= 0.7, PMID: 27666373). To our knowledge, functional studies have not been reported for this variant. This variant has not been reported in individuals affected with FBN1-related disorders in the literature. This variant has been identified in 5/251234 chromosomes in the general population by the Genome Aggregation Database (gnomAD). The available evidence is insufficient to determine the role of this variant in disease conclusively. Therefore, this variant is classified as a Variant of Uncertain Significance.

This study involves interpretation of variants in research participants for the purpose of population health screening. Participant phenotype was not available at the time of variant classification. Additional details can be found in publication PMID: 35346344, PMCID: PMC8962531

NM_000138.5(FBN1):c.1504G>C (p.Gly502Arg)

Gene: FBN1 (fibrillin 1; minus strand). Cytogenetic location: 15q21.1.
Variant type: single nucleotide variant.
Coding change: c.1504G>C on transcript NM_000138.5 (MANE Select); coding-DNA position 1504, G replaced by C.
Protein change: p.Gly502Arg; replaces glycine 502 with arginine.
Molecular consequence: missense variant.
Genome position (GRCh38, 1-based): chr15:48,513,633, C>G on the plus strand (G>C on the coding strand, the complement: FBN1 is on the minus strand). VCF-style: chr15-48513633-C-G. GRCh37 (hg19) VCF-style: chr15-48805830-C-G.
Other names: c.1504G>C, p.Gly502Arg (NM_001406716.1); short protein forms G502R.
Identifiers: ClinVar variation 3075456 (VCV003075456.1), dbSNP rs762111810, ClinGen allele CA392342662.